The following is an entry in ClinVar:

NM_182961.4(SYNE1):c.3650T>C (p.Leu1217Pro)

Gene: SYNE1 (spectrin repeat containing nuclear envelope protein 1; minus strand). Cytogenetic location: 6q25.2.
Variant type: single nucleotide variant.
Coding change: c.3650T>C on transcript NM_182961.4 (MANE Select); coding-DNA position 3650, T replaced by C.
Protein change: p.Leu1217Pro; replaces leucine 1217 with proline.
Molecular consequence: missense variant.
Genome position (GRCh38, 1-based): chr6:152,447,477, A>G on the plus strand (T>C on the coding strand, the complement: SYNE1 is on the minus strand). VCF-style: chr6-152447477-A-G. GRCh37 (hg19) VCF-style: chr6-152768612-A-G.
Other names: c.3671T>C, p.Leu1224Pro (NM_033071.5); short protein forms L1217P, L1224P.
Identifiers: ClinVar variation 1937942 (VCV001937942.5), dbSNP rs750066935, ClinGen allele CA4058791.

ClinVar aggregate classification (germline): Uncertain significance (1 of 4 stars; one submission).

Conditions:
Emery-Dreifuss muscular dystrophy 4, autosomal dominant (EDMD4). Also called: EMERY-DREIFUSS MUSCULAR DYSTROPHY 4 WITH VARIABLE FEATURES. Identifiers: Orphanet 261, MedGen C2751807, MONDO:0013071, OMIM 612998.
Autosomal recessive ataxia, Beauce type. Also called: SYNE1 Deficiency; Spinocerebellar ataxia, autosomal recessive 8; ATAXIA, RECESSIVE, OF BEAUCE; SYNE1-Related Autosomal Recessive Cerebellar Ataxia. Identifiers: Orphanet 88644, MedGen C1853116, MONDO:0012549, OMIM 610743.

Allele frequency attached by ClinVar (database versions not stated): ExAC 0.00001; gnomAD exomes 0.00001.
gnomAD v4.1: 6 of 1,614,238 alleles (0.00037%); highest among the groups gnomAD compares: Admixed American, 0.0067%; no homozygotes.

Submission:

Labcorp Genetics (formerly Invitae), Labcorp
Classification: Uncertain significance for Emery-Dreifuss muscular dystrophy 4, autosomal dominant; Autosomal recessive ataxia, Beauce type. Last evaluated: 2023-08-21. Review status: criteria provided, single submitter. Criteria: Invitae Variant Classification Sherloc (09022015). Collection method: clinical testing. Allele origin: germline.
Comment: This variant is present in population databases (rs750066935, gnomAD 0.01%). In summary, the available evidence is currently insufficient to determine the role of this variant in disease. Therefore, it has been classified as a Variant of Uncertain Significance. An algorithm developed to predict the effect of missense changes on protein structure and function (PolyPhen-2) suggests that this variant is likely to be disruptive. ClinVar contains an entry for this variant (Variation ID: 1937942). This variant has not been reported in the literature in individuals affected with SYNE1-related conditions. This sequence change replaces leucine, which is neutral and non-polar, with proline, which is neutral and non-polar, at codon 1224 of the SYNE1 protein (p.Leu1224Pro).